The following is an entry in ClinVar:

ClinVar aggregate classification (germline): Pathogenic. Review status: criteria provided, multiple submitters, no conflicts (2 of 4 stars). 5 submissions from 5 submitters: Pathogenic (4). 1 of the submissions does not count toward it. Last evaluated 2026-01-23.

Conditions:
Polyglandular autoimmune syndrome, type 1 (APS1). Also called: Autoimmune polyendocrinopathy syndrome, type I; PGA I; Autoimmune polyendocrine syndrome type 1; Whitaker syndrome; AUTOIMMUNE POLYENDOCRINE SYNDROME, TYPE I, WITH OR WITHOUT REVERSIBLE METAPHYSEAL DYSPLASIA; Autoimmune polyendocrinopathy syndrome , type I, with or without reversible metaphyseal dysplasia. Identifiers: Orphanet 3453, MedGen C0085859, MONDO:0009411, OMIM 240300.

Submissions (5):

Natera, Inc.
Classification: Pathogenic for Polyglandular autoimmune syndrome type 1. Last evaluated: 2026-01-23. Review status: criteria provided, single submitter. Criteria: Natera Variant Classification Schema (03/2026). Collection method: clinical testing. Allele origin: germline.
Comment: The c.517C>T variant in AIRE is a nonsense variant predicted to introduce a stop codon at amino acid 173. This variant is expected to result in nonsense mediated decay, truncation, or a dysfunctional protein product. This variant is rare in the general population with a frequency below the threshold expected for the associated phenotype(s). This variant has been observed in one or more individuals affected with the associated recessive disease, as either homozygous or compound heterozygous with a second variant (PMID: 9888391). Given the available evidence, this variant is classified as Pathogenic.

Labcorp Genetics (formerly Invitae), Labcorp
Classification: Pathogenic for Polyglandular autoimmune syndrome, type 1. Last evaluated: 2024-11-05. Review status: criteria provided, single submitter. Criteria: Invitae Variant Classification Sherloc (09022015). Collection method: clinical testing. Allele origin: germline.
Comment: This sequence change creates a premature translational stop signal (p.Gln173*) in the AIRE gene. It is expected to result in an absent or disrupted protein product. Loss-of-function variants in AIRE are known to be pathogenic (PMID: 11524731, 26141571). This variant is not present in population databases (gnomAD no frequency). This premature translational stop signal has been observed in individual(s) with autosomal recessive autoimmune polyendocrinopathy syndrome (PMID: 9888391). In at least one individual the data is consistent with being in trans (on the opposite chromosome) from a pathogenic variant. ClinVar contains an entry for this variant (Variation ID: 371397). For these reasons, this variant has been classified as Pathogenic.

CeGaT Center for Human Genetics Tuebingen
Classification: Pathogenic. Last evaluated: 2022-05-01. Review status: criteria provided, single submitter. Criteria: CeGaT Center For Human Genetics Tuebingen Variant Classification Criteria Version 2. Collection method: clinical testing. Allele origin: germline. Affected: yes. Observed: 1 variant allele.

Athena Diagnostics
Classification: Pathogenic. Last evaluated: 2016-10-25. Review status: criteria provided, single submitter. Criteria: Athena Diagnostics Criteria. Collection method: clinical testing. Allele origin: germline.

Counsyl
Classification: Likely pathogenic for Polyglandular autoimmune syndrome, type 1. Last evaluated: 2016-09-13. Review status: no assertion criteria provided. Collection method: clinical testing. Allele origin: unknown. Not counted in ClinVar's aggregate classification.

Literature cited by the submitters: PubMed 9888391 (cited by 4 submitters); PubMed 11524731 (cited by Labcorp Genetics (formerly Invitae), Labcorp); PubMed 26141571 (cited by Labcorp Genetics (formerly Invitae), Labcorp); PubMed 10677297 (cited by Athena Diagnostics and Counsyl).

NM_000383.4(AIRE):c.517C>T (p.Gln173Ter)

Gene: AIRE (autoimmune regulator; plus strand). Cytogenetic location: 21q22.3.
Variant type: single nucleotide variant.
Coding change: c.517C>T on transcript NM_000383.4 (MANE Select); coding-DNA position 517, C replaced by T.
Protein change: p.Gln173Ter; replaces glutamine 173 with a stop codon.
Molecular consequence: nonsense.
Genome position (GRCh38, 1-based): chr21:44,287,570, C>T. VCF-style: chr21-44287570-C-T. GRCh37 (hg19) VCF-style: chr21-45707453-C-T.
Other names: c.517C>T (LRG_18t1); short protein forms Q173*.
Identifiers: ClinVar variation 371397 (VCV000371397.46), dbSNP rs1057517241, ClinGen allele CA16042016.